The following is an entry in ClinVar:

ClinVar aggregate classification (germline): Likely pathogenic (1 of 4 stars; one submission).

Submission:

Dasa
Classification: Likely pathogenic. Last evaluated: 2025-05-01. Review status: criteria provided, single submitter. Criteria: DASA Assertion Criteria. Collection method: clinical testing. Allele origin: germline.
Comment: NM_001282116.2(RFX3):c.1203-2A>G affects a canonical splice site and is predicted to disrupt normal RNA splicing. Loss of function is an established disease mechanism for RFX3 (PMID: 25844147; PMID: 27525107; PMID: 28831199). Also, this variant is absent from population databases. Based on the currently available evidence, this variant is classified as likely pathogenic.

Literature cited by the submitters: PubMed 25844147; PubMed 27525107; PubMed 28831199.

NM_001282116.2(RFX3):c.1203-2A>G

Gene: RFX3 (regulatory factor X3; minus strand). Cytogenetic location: 9p24.2.
Variant type: single nucleotide variant.
Coding change: c.1203-2A>G on transcript NM_001282116.2 (MANE Select); the canonical splice acceptor site of the intron before coding-DNA position 1203, A replaced by G.
Molecular consequence: splice acceptor variant.
Genome position (GRCh38, 1-based): chr9:3,270,527, T>C on the plus strand (A>G on the coding strand, the complement: RFX3 is on the minus strand). VCF-style: chr9-3270527-T-C. GRCh37 (hg19) VCF-style: chr9-3270527-T-C.
Other names: c.1203-2A>G (NM_001377999.1, NM_134428.3, NM_002919.4).
Identifiers: ClinVar variation 4881590 (VCV004881590.2).